The following is an entry in ClinVar:

NM_000218.3(KCNQ1):c.1394-13039T>A

Genes: KCNQ1 (potassium voltage-gated channel subfamily Q member 1; plus strand), KCNQ1OT1 (KCNQ1 opposite strand/antisense transcript 1; minus strand). Cytogenetic location: 11p15.5.
Variant type: single nucleotide variant.
Coding change: c.1394-13039T>A on transcript NM_000218.3 (MANE Select); 13039 bases into the intron before coding-DNA position 1394, T replaced by A.
Molecular consequence: intron variant.
Genome position (GRCh38, 1-based): chr11:2,648,922, T>A. VCF-style: chr11-2648922-T-A. GRCh37 (hg19) VCF-style: chr11-2670152-T-A.
Other names: c.1124-13039T>A (NM_001406837.1); c.1298-13039T>A (NM_001406836.1); c.854-13039T>A (NM_001406838.1); c.1013-13039T>A (NM_181798.2).
Identifiers: ClinVar variation 1711288 (VCV001711288.31), dbSNP rs536863103, ClinGen allele CA216161155.

ClinVar aggregate classification (germline): Likely benign. Review status: criteria provided, multiple submitters, no conflicts (2 of 4 stars). 2 submissions from 2 submitters: Likely benign (2). Last evaluated 2026-08-01.

Allele frequency attached by ClinVar (database versions not stated): 1000 Genomes Project 0.00060; 1000 Genomes Project 30x 0.00094; TOPMed 0.00189; gnomAD 0.00227; gnomAD exomes 0.00297.
gnomAD v4.1: 1,056 of 398,348 alleles (0.27%); highest among the groups gnomAD compares: Non-Finnish European, 0.37%; 3 homozygotes.

Submissions (2):

CeGaT Center for Human Genetics Tuebingen
Classification: Likely benign. Last evaluated: 2026-08-01. Review status: criteria provided, single submitter. Criteria: CeGaT Center For Human Genetics Tuebingen Variant Classification Criteria Version 2. Collection method: clinical testing. Allele origin: germline. Affected: yes. Observed: 38 variant alleles.
Comment: KCNQ1OT1: BS2

Blueprint Genetics
Classification: Likely benign. Last evaluated: 2024-11-27. Review status: criteria provided, single submitter. Criteria: ACMG Guidelines, 2015. Collection method: clinical testing. Allele origin: germline.